The following is an entry in ClinVar:

ClinVar aggregate classification (germline): Uncertain significance (1 of 4 stars; one submission).

Conditions:
Inborn genetic diseases. Identifiers: MedGen C0950123, MeSH D030342.

Submission:

Ambry Genetics
Classification: Uncertain significance for Inborn genetic diseases. Last evaluated: 2025-10-03. Review status: criteria provided, single submitter. Criteria: Ambry Variant Classification Scheme 2023. Collection method: clinical testing. Allele origin: germline.
Comment: The p.G390A variant (also known as c.1169G>C), located in coding exon 10 of the FANCG gene, results from a G to C substitution at nucleotide position 1169. The glycine at codon 390 is replaced by alanine, an amino acid with similar properties. This amino acid position is conserved. In addition, this alteration is predicted to be tolerated by in silico analysis. Based on the available evidence, the clinical significance of this variant remains unclear.

NM_004629.2(FANCG):c.1169G>C (p.Gly390Ala)

Gene: FANCG (FA complementation group G; minus strand). Cytogenetic location: 9p13.3.
Variant type: single nucleotide variant.
Coding change: c.1169G>C on transcript NM_004629.2 (MANE Select); coding-DNA position 1169, G replaced by C.
Protein change: p.Gly390Ala; replaces glycine 390 with alanine.
Molecular consequence: missense variant.
Genome position (GRCh38, 1-based): chr9:35,075,729, C>G on the plus strand (G>C on the coding strand, the complement: FANCG is on the minus strand). VCF-style: chr9-35075729-C-G. GRCh37 (hg19) VCF-style: chr9-35075726-C-G.
Other names: short protein forms G390A.
Identifiers: ClinVar variation 4619360 (VCV004619360.1).